The following is an entry in ClinVar:

NM_006005.3(WFS1):c.1357C>G (p.Pro453Ala)

Gene: WFS1 (wolframin ER transmembrane glycoprotein; plus strand). Cytogenetic location: 4p16.1.
Variant type: single nucleotide variant.
Coding change: c.1357C>G on transcript NM_006005.3 (MANE Select); coding-DNA position 1357, C replaced by G.
Protein change: p.Pro453Ala; replaces proline 453 with alanine.
Molecular consequence: missense variant.
Genome position (GRCh38, 1-based): chr4:6,301,152, C>G. VCF-style: chr4-6301152-C-G. GRCh37 (hg19) VCF-style: chr4-6302879-C-G.
Other names: c.1357C>G, p.Pro453Ala (NM_001145853.1); short protein forms P453A.
Identifiers: ClinVar variation 3590690 (VCV003590690.3).

ClinVar aggregate classification (germline): Uncertain significance. Review status: criteria provided, multiple submitters, no conflicts (2 of 4 stars). 2 submissions from 2 submitters: Uncertain significance (2). Last evaluated 2025-08-15.

Conditions:
Autosomal dominant nonsyndromic hearing loss 6 (LFSNHL). Also called: DEAFNESS, AUTOSOMAL DOMINANT 6; DEAFNESS, AUTOSOMAL DOMINANT 14; DEAFNESS, AUTOSOMAL DOMINANT 38; Autosomal dominant nonsyndromic deafness 6. Identifiers: Orphanet 90635, MedGen C1833021, MONDO:0010963, OMIM 600965.
Type 2 diabetes mellitus. Also called: Type II diabetes mellitus. Identifiers: MedGen C0011860, MeSH D003924, MONDO:0005148, OMIM 125853, HP:0005978.
Wolfram-like syndrome. Also called: HEARING LOSS, PROGRESSIVE, WITH OPTIC ATROPHY AND/OR IMPAIRED GLUCOSE REGULATION. Identifiers: Orphanet 411590, MedGen C3280358, MONDO:0013673, OMIM 614296.
Wolfram syndrome 1 (WFS1). Identifiers: Orphanet 3463, MedGen C4551693, MONDO:0009101, OMIM 222300.
Cataract 41 (CTRCT41). Also called: CATARACT 41, CONGENITAL NUCLEAR TYPE. Identifiers: Orphanet 91492, Orphanet 98991, Orphanet 98992, Orphanet 98995, MedGen C3805412, MONDO:0007287, OMIM 116400.

gnomAD v4.1: 1 of 1,613,020 alleles (0.000062%); highest among the groups gnomAD compares: Non-Finnish European, 0.000085%; no homozygotes.

Submissions (2):

Labcorp Genetics (formerly Invitae), Labcorp
Classification: Uncertain significance. Last evaluated: 2025-08-15. Review status: criteria provided, single submitter. Criteria: Invitae Variant Classification Sherloc (09022015). Collection method: clinical testing. Allele origin: germline.
Comment: This sequence change replaces proline, which is neutral and non-polar, with alanine, which is neutral and non-polar, at codon 453 of the WFS1 protein (p.Pro453Ala). This variant is not present in population databases (gnomAD no frequency). This variant has not been reported in the literature in individuals affected with WFS1-related conditions. ClinVar contains an entry for this variant (Variation ID: 3590690). Invitae Evidence Modeling of protein sequence and biophysical properties (such as structural, functional, and spatial information, amino acid conservation, physicochemical variation, residue mobility, and thermodynamic stability) indicates that this missense variant is not expected to disrupt WFS1 protein function with a negative predictive value of 95%. In summary, the available evidence is currently insufficient to determine the role of this variant in disease. Therefore, it has been classified as a Variant of Uncertain Significance.

Fulgent Genetics
Classification: Uncertain significance for Cataract 41; Type 2 diabetes mellitus; Wolfram syndrome 1; Autosomal dominant nonsyndromic hearing loss 6; Wolfram-like syndrome. Last evaluated: 2024-05-13. Review status: criteria provided, single submitter. Criteria: ACMG Guidelines, 2015. Collection method: clinical testing. Allele origin: germline.